The following is an entry in ClinVar:

NM_014714.4(IFT140):c.1619T>A (p.Leu540Ter)

Gene: IFT140 (intraflagellar transport 140; minus strand). Cytogenetic location: 16p13.3.
Variant type: single nucleotide variant.
Coding change: c.1619T>A on transcript NM_014714.4 (MANE Select); coding-DNA position 1619, T replaced by A.
Protein change: p.Leu540Ter; replaces leucine 540 with a stop codon.
Molecular consequence: nonsense.
Genome position (GRCh38, 1-based): chr16:1,571,440, A>T on the plus strand (T>A on the coding strand, the complement: IFT140 is on the minus strand). VCF-style: chr16-1571440-A-T. GRCh37 (hg19) VCF-style: chr16-1621441-A-T.
Other names: short protein forms L540*.
Identifiers: ClinVar variation 3578531 (VCV003578531.3).
Genomic context (GRCh38, chr16:1,571,440, plus strand): 5'-ACACTTCTATTTGGAAAAAAAATTTACCTTCGGGAAAGATCAAAGCTTTTAAAGTGAGCC[A>T]AGTCTGTCCCTACAACCAGGAAATTCCCACAGATGTCCAAGAAGCAGGGATTCCCCTCAG-3'

ClinVar aggregate classification (germline): Likely pathogenic. Review status: criteria provided, multiple submitters, no conflicts (2 of 4 stars). 3 submissions from 3 submitters: Likely pathogenic (3). Last evaluated 2025-02-05.

Conditions:
IFT140-related disorders.
Saldino-Mainzer syndrome (SRTD9). Also called: SHORT-RIB THORACIC DYSPLASIA 9 WITHOUT POLYDACTYLY; CONORENAL SYNDROME; short-rib thoracic dysplasia 9 with or without polydactyly; Renal dysplasia, retinal pigmentary dystrophy, cerebellar ataxia and skeletal dysplasia. Identifiers: Orphanet 140969, MedGen C1849437, MONDO:0009964, OMIM 266920.
Retinitis pigmentosa 80 (RP80). Identifiers: MedGen C4540439, MONDO:0054708, OMIM 617781.

gnomAD v4.1: 1 of 1,614,182 alleles (0.000062%); highest among the groups gnomAD compares: East Asian, 0.0022%; no homozygotes.

Submissions (3):

SingHealth Duke-NUS Institute of Precision Medicine
Classification: Likely pathogenic for Retinitis pigmentosa 80. Last evaluated: 2025-02-05. Review status: criteria provided, single submitter. Criteria: PRISM ACMG Classification Criteria. Collection method: clinical testing. Allele origin: germline. Affected: yes.
Comment: Variant is predicted to cause nonsense-mediated decay in a gene where LOF is a known cause of pathogenicity (PVS1). Variant is not found in gnomAD genomes, and homozygous allele count in gnomAD exomes is than 0 (PM2).

Fulgent Genetics
Classification: Likely pathogenic for Saldino-Mainzer syndrome; Retinitis pigmentosa 80. Last evaluated: 2024-06-12. Review status: criteria provided, single submitter. Criteria: ACMG Guidelines, 2015. Collection method: clinical testing. Allele origin: germline.

Blueprint Genetics
Classification: Likely pathogenic for IFT140-related disorders. Last evaluated: 2023-02-03. Review status: criteria provided, single submitter. Criteria: ACMG Guidelines, 2015. Collection method: clinical testing. Allele origin: germline. Affected: yes. Observed: 2 variant alleles.